The following is an entry in ClinVar:

NM_002691.4(POLD1):c.1094G>T (p.Gly365Val)

Gene: POLD1 (DNA polymerase delta 1, catalytic subunit; plus strand). Cytogenetic location: 19q13.33.
Variant type: single nucleotide variant.
Coding change: c.1094G>T on transcript NM_002691.4 (MANE Select); coding-DNA position 1094, G replaced by T.
Protein change: p.Gly365Val; replaces glycine 365 with valine.
Molecular consequence: missense variant. On other transcripts: non-coding transcript variant (1).
Genome position (GRCh38, 1-based): chr19:50,403,176, G>T. VCF-style: chr19-50403176-G-T. GRCh37 (hg19) VCF-style: chr19-50906433-G-T.
Other names: c.1094G>T, p.Gly365Val (NM_001256849.1, NM_001308632.1, NM_001438210.1 and 3 more transcripts); short protein forms G365V.
Identifiers: ClinVar variation 4085429 (VCV004085429.8).
Genomic context (GRCh38, chr19:50,403,176, plus strand): 5'-GGGAGCCGGAGCCCTTCCTACGCCTGGCGCTCACCCTGCGGCCCTGTGCCCCCATCCTGG[G>T]TGCCAAGGTGCAGAGCTACGAGAAGGAGGAGGACCTGCTGCAGGTAGCTCTCGCTCCACG-3'
Protein context (NP_002682.2, residues 355-375): LTLRPCAPIL[Gly365Val]AKVQSYEKEE

ClinVar aggregate classification (germline): Uncertain significance (1 of 4 stars; one submission).

gnomAD v4.1: 1 of 1,562,330 alleles (0.000064%); highest among the groups gnomAD compares: Non-Finnish European, 0.000087%; no homozygotes.

Submission:

CeGaT Center for Human Genetics Tuebingen
Classification: Uncertain significance. Last evaluated: 2025-07-01. Review status: criteria provided, single submitter. Criteria: CeGaT Center For Human Genetics Tuebingen Variant Classification Criteria Version 2. Collection method: clinical testing. Allele origin: germline. Affected: yes. Observed: 1 variant allele.
Comment: POLD1: PM2